The following is an entry in ClinVar:

NM_015909.4(NBAS):c.881C>T (p.Thr294Ile)

Gene: NBAS (NBAS subunit of NRZ tethering complex; minus strand). Cytogenetic location: 2p24.3.
Variant type: single nucleotide variant.
Coding change: c.881C>T on transcript NM_015909.4 (MANE Select); coding-DNA position 881, C replaced by T.
Protein change: p.Thr294Ile; replaces threonine 294 with isoleucine.
Molecular consequence: missense variant. On other transcripts: non-coding transcript variant (1).
Genome position (GRCh38, 1-based): chr2:15,511,216, G>A on the plus strand (C>T on the coding strand, the complement: NBAS is on the minus strand). VCF-style: chr2-15511216-G-A. GRCh37 (hg19) VCF-style: chr2-15651340-G-A.
Other names: short protein forms T294I.
Identifiers: ClinVar variation 2075198 (VCV002075198.1), dbSNP rs752679737, ClinGen allele CA345898336.

ClinVar aggregate classification (germline): Uncertain significance (1 of 4 stars; one submission).

Allele frequency attached by ClinVar (database versions not stated): gnomAD 0.00002.
gnomAD v4.1: 10 of 1,613,942 alleles (0.00062%); highest among the groups gnomAD compares: Non-Finnish European, 0.00085%; no homozygotes.

Submission:

Labcorp Genetics (formerly Invitae), Labcorp
Classification: Uncertain significance. Last evaluated: 2022-03-19. Review status: criteria provided, single submitter. Criteria: Invitae Variant Classification Sherloc (09022015). Collection method: clinical testing. Allele origin: germline.
Comment: This sequence change replaces threonine, which is neutral and polar, with isoleucine, which is neutral and non-polar, at codon 294 of the NBAS protein (p.Thr294Ile). This variant is present in population databases (no rsID available, gnomAD 0.0009%). This variant has not been reported in the literature in individuals affected with NBAS-related conditions. Algorithms developed to predict the effect of missense changes on protein structure and function are either unavailable or do not agree on the potential impact of this missense change (SIFT: "Deleterious"; PolyPhen-2: "Benign"; Align-GVGD: "Class C65"). In summary, the available evidence is currently insufficient to determine the role of this variant in disease. Therefore, it has been classified as a Variant of Uncertain Significance.